The following is an entry in ClinVar:

NM_001371279.1(REEP1):c.*2513G>A

Gene: REEP1 (receptor accessory protein 1; minus strand). Cytogenetic location: 2p11.2.
Variant type: single nucleotide variant.
Coding change: c.*2513G>A on transcript NM_001371279.1 (MANE Select); 2513 bases downstream of the stop codon, G replaced by A.
Molecular consequence: 3 prime UTR variant.
Genome position (GRCh38, 1-based): chr2:86,214,526, C>T on the plus strand (G>A on the coding strand, the complement: REEP1 is on the minus strand). VCF-style: chr2-86214526-C-T. GRCh37 (hg19) VCF-style: chr2-86441649-C-T.
Other names: c.*2574G>A (NM_001164730.2, NM_001164731.2, NM_022912.3); c.*2513G>A (NM_001164732.2, NM_001371280.1).
Identifiers: ClinVar variation 337351 (VCV000337351.8), dbSNP rs115098584, ClinGen allele CA10616392.

ClinVar aggregate classification (germline): Likely benign. Review status: criteria provided, multiple submitters, no conflicts (2 of 4 stars). 3 submissions from 3 submitters: Likely benign (3). Last evaluated 2020-03-03.

Conditions:
Hereditary spastic paraplegia 31. Also called: SPASTIC PARAPLEGIA 31, AUTOSOMAL DOMINANT. Identifiers: Orphanet 101011, MedGen C1853247, MONDO:0012453, OMIM 610250.

Allele frequency attached by ClinVar (database versions not stated): 1000 Genomes Project 0.00719; 1000 Genomes Project 30x 0.00843; TOPMed 0.01987; gnomAD 0.02140 and 0.02268; gnomAD exomes 0.02752.
gnomAD v4.1: 3,330 of 152,788 alleles (2.2%); highest among the groups gnomAD compares: Non-Finnish European, 3.4%; 68 homozygotes.

Submissions (3):

GeneDx
Classification: Likely benign. Last evaluated: 2020-03-03. Review status: criteria provided, single submitter. Criteria: GeneDx Variant Classification Process June 2021. Collection method: clinical testing. Allele origin: germline. Affected: yes.

Illumina Laboratory Services, Illumina
Classification: Likely benign for Hereditary spastic paraplegia 31. Last evaluated: 2017-04-27. Review status: criteria provided, single submitter. Criteria: ICSL Variant Classification Criteria 13 December 2019. Collection method: clinical testing. Allele origin: germline.
Comment: This variant was observed as part of a predisposition screen in an ostensibly healthy population. A literature search was performed for the gene, cDNA change, and amino acid change (where applicable). No publications were found based on this search. Allele frequency data from public databases allowed determination this variant is unlikely to cause disease. Therefore, this variant is classified as likely benign.

Breakthrough Genomics
Classification: Likely benign. Review status: criteria provided, single submitter. Criteria: ACMG Guidelines, 2015. Collection method: not provided. Allele origin: germline. Inheritance: Autosomal recessive inheritance. Affected: yes.